The following is an entry in ClinVar:

NM_005154.5(USP8):c.2152TCC[1] (p.Ser719del)

Gene: USP8 (ubiquitin specific peptidase 8; plus strand). Cytogenetic location: 15q21.2.
Variant type: Microsatellite.
Coding change: c.2152TCC[1] on transcript NM_005154.5 (MANE Select); one copy of the 3-base unit TCC starting at c.2152; the reference has two copies in a row; one copy, 3 bases deleted.
Protein change: p.Ser719del; deletes serine 719.
Molecular consequence: inframe deletion.
Genome position (GRCh38, 1-based): chr15:50,490,446-50,490,448, TCC deleted; deleting any 3 consecutive bases within chr15:50,490,442-50,490,448 gives the same sequence; the position shown is the placement nearest the transcript's 3' end. VCF-style (leftmost placement, unchanged base first): chr15-50490441-ACTC-A. GRCh37 (hg19) VCF-style: chr15-50782638-ACTC-A.
Other names: c.2152TCC[1], p.Ser719del (NM_001128610.3); c.1834TCC[1], p.Ser613del (NM_001283049.2); short protein forms S719del, S613del.
Identifiers: ClinVar variation 161991 (VCV000161991.2), dbSNP rs672601306, ClinGen allele CA174935.

ClinVar aggregate classification (germline): Pathogenic. Review status: no assertion criteria provided (0 of 4 stars). 2 submissions from 2 submitters: Pathogenic (2). Last evaluated 2017-09-26.

Conditions:
Pituitary dependent hypercortisolism. Also called: Pituitary ACTH Hypersecretion; Cushing disease due to pituitary adenoma; CUSHING DISEASE, PITUITARY; Pituitary adenoma, acth-secreting, somatic; PITUITARY ADENOMA 4, ACTH-SECRETING. Identifiers: Orphanet 96253, MedGen C0221406, MONDO:0009050, OMIM 219090.

Submissions (2):

OMIM
Classification: Pathogenic for PITUITARY ADENOMA 4, ACTH-SECRETING, SOMATIC. Last evaluated: 2017-09-26. Review status: no assertion criteria provided. Collection method: literature only. Allele origin: somatic.

Institute of Human Genetics Munich, TUM University Hospital
Classification: Pathogenic for Pituitary dependent hypercortisolism. Last evaluated: 2014-11-18. Review status: no assertion criteria provided. Collection method: research. Allele origin: somatic. Affected: yes. Observed: 1 variant allele.
Comment: gain of function

Literature cited by the submitters: PubMed 25675982 (cited by OMIM); PubMed 25942478 (cited by OMIM).